The following is an entry in ClinVar:

NM_004656.4(BAP1):c.748G>A (p.Val250Met)

Gene: BAP1 (BRCA1 associated deubiquitinase 1; minus strand). Cytogenetic location: 3p21.1.
Variant type: single nucleotide variant.
Coding change: c.748G>A on transcript NM_004656.4 (MANE Select); coding-DNA position 748, G replaced by A.
Protein change: p.Val250Met; replaces valine 250 with methionine.
Molecular consequence: missense variant.
Genome position (GRCh38, 1-based): chr3:52,406,288, C>T on the plus strand (G>A on the coding strand, the complement: BAP1 is on the minus strand). VCF-style: chr3-52406288-C-T. GRCh37 (hg19) VCF-style: chr3-52440304-C-T.
Other names: short protein forms V250M.
Identifiers: ClinVar variation 639083 (VCV000639083.6), dbSNP rs1578225069, ClinGen allele CA353107150.

ClinVar aggregate classification (germline): Uncertain significance (1 of 4 stars; one submission).

Conditions:
BAP1-related tumor predisposition syndrome (TPDS1). Also called: Tumor susceptibility linked to germline BAP1 mutations; COMMON Syndrome; TUMOR PREDISPOSITION SYNDROME 1; BAP1 tumor predisposition syndrome. Identifiers: Orphanet 289539, MedGen C3280492, MONDO:0013692, OMIM 614327.

Submission:

Labcorp Genetics (formerly Invitae), Labcorp
Classification: Uncertain significance for BAP1-related tumor predisposition syndrome. Last evaluated: 2021-11-23. Review status: criteria provided, single submitter. Criteria: Invitae Variant Classification Sherloc (09022015). Collection method: clinical testing. Allele origin: germline.
Comment: ClinVar contains an entry for this variant (Variation ID: 639083). This variant has not been reported in the literature in individuals affected with BAP1-related conditions. This variant is not present in population databases (gnomAD no frequency). This sequence change replaces valine, which is neutral and non-polar, with methionine, which is neutral and non-polar, at codon 250 of the BAP1 protein (p.Val250Met). Algorithms developed to predict the effect of missense changes on protein structure and function output the following: SIFT: "Tolerated"; PolyPhen-2: "Benign"; Align-GVGD: "Class C0". The methionine amino acid residue is found in multiple mammalian species, which suggests that this missense change does not adversely affect protein function. In summary, the available evidence is currently insufficient to determine the role of this variant in disease. Therefore, it has been classified as a Variant of Uncertain Significance.